The following is an entry in ClinVar:

NM_012452.3(TNFRSF13B):c.59G>A (p.Arg20His)

Gene: TNFRSF13B (TNF receptor superfamily member 13B; minus strand). Cytogenetic location: 17p11.2.
Variant type: single nucleotide variant.
Coding change: c.59G>A on transcript NM_012452.3 (MANE Select); coding-DNA position 59, G replaced by A.
Protein change: p.Arg20His; replaces arginine 20 with histidine.
Molecular consequence: missense variant.
Genome position (GRCh38, 1-based): chr17:16,972,017, C>T on the plus strand (G>A on the coding strand, the complement: TNFRSF13B is on the minus strand). VCF-style: chr17-16972017-C-T. GRCh37 (hg19) VCF-style: chr17-16875331-C-T.
Other names: c.59G>A (NM_012452.2); short protein forms R20H.
Identifiers: ClinVar variation 1013745 (VCV001013745.4), dbSNP rs768682333, ClinGen allele CA8414153.
Genomic context (GRCh38, chr17:16,972,017, plus strand): 5'-GGCCCAACCCTCCTCACACCTCCCACCTGCCCTCCTGCCCTCCTGCCCGGCTACTCACAG[C>T]GCTCCTCCTGGTCCACACGGCTCCGGCCACCTCGCCTGCTCCGGCCCAGGCCACTCATTA-3'
Protein context (NP_036584.1, residues 10-30): GGRSRVDQEE[Arg20His]FPQGLWTGVA

ClinVar aggregate classification (germline): Uncertain significance. Review status: criteria provided, multiple submitters, no conflicts (2 of 4 stars). 2 submissions from 2 submitters: Uncertain significance (2). Last evaluated 2026-08-13.

Conditions:
Immunodeficiency, common variable, 2 (CVID2). Also called: ANTIBODY DEFICIENCY DUE TO TACI DEFECT; HYPOGAMMAGLOBULINEMIA DUE TO TACI DEFICIENCY. Identifiers: Orphanet 1572, MedGen C3150354, MONDO:0009413, OMIM 240500.
TNFRSF13B-related disorder. Also called: TNFRSF13B-related condition.

Allele frequency attached by ClinVar (database versions not stated): ExAC 0.00002; gnomAD exomes 0.00002 and 0.00004; TOPMed 0.00004; gnomAD 0.00005.
gnomAD v4.1: 64 of 1,614,026 alleles (0.004%); highest among the groups gnomAD compares: Non-Finnish European, 0.0045%; no homozygotes.

Submissions (2):

PreventionGenetics, part of Exact Sciences
Classification: Uncertain significance for TNFRSF13B-related condition. Last evaluated: 2026-08-13. Review status: criteria provided, single submitter. Criteria: ACMG Guidelines, 2015. Collection method: clinical testing. Allele origin: germline.
Comment: The TNFRSF13B c.59G>A variant is predicted to result in the amino acid substitution p.Arg20His. To our knowledge, this variant has not been reported in the literature. This variant is reported in 0.0031% of alleles in individuals of European (Non-Finnish) descent in gnomAD. At this time, the clinical significance of this variant is uncertain due to the absence of conclusive functional and genetic evidence.

Labcorp Genetics (formerly Invitae), Labcorp
Classification: Uncertain significance for Immunodeficiency, common variable, 2. Last evaluated: 2025-05-05. Review status: criteria provided, single submitter. Criteria: Invitae Variant Classification Sherloc (09022015). Collection method: clinical testing. Allele origin: germline.
Comment: This sequence change replaces arginine, which is basic and polar, with histidine, which is basic and polar, at codon 20 of the TNFRSF13B protein (p.Arg20His). This variant is present in population databases (rs768682333, gnomAD 0.003%). This variant has not been reported in the literature in individuals affected with TNFRSF13B-related conditions. ClinVar contains an entry for this variant (Variation ID: 1013745). Invitae Evidence Modeling of protein sequence and biophysical properties (such as structural, functional, and spatial information, amino acid conservation, physicochemical variation, residue mobility, and thermodynamic stability) indicates that this missense variant is not expected to disrupt TNFRSF13B protein function with a negative predictive value of 95%. In summary, the available evidence is currently insufficient to determine the role of this variant in disease. Therefore, it has been classified as a Variant of Uncertain Significance.